The following is an entry in ClinVar:

ClinVar aggregate classification (germline): Conflicting classifications of pathogenicity. Review status: criteria provided, conflicting classifications (1 of 4 stars). 2 submissions from 2 submitters: Likely pathogenic (1); Uncertain significance (1). Last evaluated 2026-01-01.

Allele frequency attached by ClinVar (database versions not stated): gnomAD exomes 0.00013 and 0.00014; ESP Exome Variant Server 0.00023; TOPMed 0.00014; gnomAD 0.00015; ExAC 0.00018.
gnomAD v4.1: 221 of 1,612,838 alleles (0.014%); highest among the groups gnomAD compares: Non-Finnish European, 0.018%; no homozygotes.

Submissions (2):

CeGaT Center for Human Genetics Tuebingen
Classification: Likely pathogenic. Last evaluated: 2026-01-01. Review status: criteria provided, single submitter. Criteria: CeGaT Center For Human Genetics Tuebingen Variant Classification Criteria Version 2. Collection method: clinical testing. Allele origin: germline. Affected: yes. Observed: 2 variant alleles.
Comment: PLCZ1: PVS1:Strong, PM2, PM3:Supporting

Breakthrough Genomics
Classification: Uncertain significance. Review status: criteria provided, single submitter. Criteria: ACMG Guidelines, 2015. Collection method: not provided. Allele origin: germline. Inheritance: Autosomal recessive inheritance. Affected: yes.

NM_033123.4(PLCZ1):c.280C>T (p.Gln94Ter)

Genes: PIK3C2G (phosphatidylinositol-4-phosphate 3-kinase catalytic subunit type 2 gamma; plus strand), PLCZ1 (phospholipase C zeta 1; minus strand). Cytogenetic location: 12p12.3.
Variant type: single nucleotide variant.
Coding change: c.280C>T on transcript NM_033123.4 (MANE Select); coding-DNA position 280, C replaced by T.
Protein change: p.Gln94Ter; replaces glutamine 94 with a stop codon.
Molecular consequence: nonsense. On other transcripts: 5 prime UTR variant (1), intron variant (1).
Genome position (GRCh38, 1-based): chr12:18,723,398, G>A on the plus strand (C>T on the coding strand, the complement: PLCZ1 is on the minus strand). VCF-style: chr12-18723398-G-A. GRCh37 (hg19) VCF-style: chr12-18876332-G-A.
Other names: c.-33C>T (NM_001330774.2); c.135+12823C>T (NM_001330769.1); short protein forms Q94*.
Identifiers: ClinVar variation 1298539 (VCV001298539.36), dbSNP rs138801851, ClinGen allele CA6471542.